The following is an entry in ClinVar:

NM_022095.4(ZNF335):c.1226C>A (p.Thr409Asn)

Gene: ZNF335 (zinc finger protein 335; minus strand). Cytogenetic location: 20q13.12.
Variant type: single nucleotide variant.
Coding change: c.1226C>A on transcript NM_022095.4 (MANE Select); coding-DNA position 1226, C replaced by A.
Protein change: p.Thr409Asn; replaces threonine 409 with asparagine.
Molecular consequence: missense variant.
Genome position (GRCh38, 1-based): chr20:45,963,867, G>T on the plus strand (C>A on the coding strand, the complement: ZNF335 is on the minus strand). VCF-style: chr20-45963867-G-T. GRCh37 (hg19) VCF-style: chr20-44592506-G-T.
Other names: short protein forms T409N.
Identifiers: ClinVar variation 2098344 (VCV002098344.4), dbSNP rs1334870296, ClinGen allele CA409250741.

ClinVar aggregate classification (germline): Uncertain significance (1 of 4 stars; one submission).

Submission:

Labcorp Genetics (formerly Invitae), Labcorp
Classification: Uncertain significance. Last evaluated: 2025-02-24. Review status: criteria provided, single submitter. Criteria: Invitae Variant Classification Sherloc (09022015). Collection method: clinical testing. Allele origin: germline.
Comment: This sequence change replaces threonine, which is neutral and polar, with asparagine, which is neutral and polar, at codon 409 of the ZNF335 protein (p.Thr409Asn). This variant is not present in population databases (gnomAD no frequency). This variant has not been reported in the literature in individuals affected with ZNF335-related conditions. ClinVar contains an entry for this variant (Variation ID: 2098344). Invitae Evidence Modeling of protein sequence and biophysical properties (such as structural, functional, and spatial information, amino acid conservation, physicochemical variation, residue mobility, and thermodynamic stability) indicates that this missense variant is not expected to disrupt ZNF335 protein function with a negative predictive value of 80%. In summary, the available evidence is currently insufficient to determine the role of this variant in disease. Therefore, it has been classified as a Variant of Uncertain Significance.